The following is an entry in ClinVar:

ClinVar aggregate classification (germline): Benign/Likely benign. Review status: criteria provided, multiple submitters, no conflicts (2 of 4 stars). 19 submissions from 18 submitters: Benign (4); Likely benign (11). 4 of the submissions do not count toward it. Last evaluated 2026-08-25.

Conditions:
SMAD4-related disorder. Also called: SMAD4-related condition; SMAD4-Related disorders.
Familial thoracic aortic aneurysm and aortic dissection (TAAD). Also called: Thoracic aortic aneurysms and dissections. Identifiers: Orphanet 91387, MedGen C4707243, MONDO:0019625.
Hereditary cancer-predisposing syndrome. Also called: Tumor predisposition; Hereditary neoplastic syndrome; Neoplastic Syndromes, Hereditary; Hereditary Cancer Syndrome. Identifiers: Orphanet 140162, MedGen C0027672, MeSH D009386, MONDO:0015356.
Juvenile polyposis syndrome (JPS). Identifiers: Orphanet 2929, MedGen C0345893, MONDO:0017380, OMIM 174900.
Myhre syndrome (MYHRS). Also called: LARYNGOTRACHEAL STENOSIS, ARTHROPATHY, PROGNATHISM, AND SHORT STATURE; LAPS SYNDROME. Identifiers: Orphanet 2588, MedGen C0796081, MONDO:0007688, OMIM 139210.
Juvenile polyposis/hereditary hemorrhagic telangiectasia syndrome (JPHT). Also called: JP/HHT SYNDROME; JUVENILE POLYPOSIS WITH HEREDITARY HEMORRHAGIC TELANGIECTASIA; POLYPOSIS, GENERALIZED JUVENILE, WITH PULMONARY ARTERIOVENOUS MALFORMATION; TELANGIECTASIA, HEREDITARY HEMORRHAGIC, WITH JUVENILE POLYPOSIS COLI; Juvenile Polyposis Syndrome / Hereditary Hemorrhagic Telangiectasia (JPS/HHT). Identifiers: Orphanet 2929, MedGen C1832942, MONDO:0008278, OMIM 175050.

Allele frequency attached by ClinVar (database versions not stated): gnomAD exomes 0.00003 and 0.00004; gnomAD 0.00004; TOPMed 0.00004; ExAC 0.00005.
gnomAD v4.1: 54 of 1,613,814 alleles (0.0033%); highest among the groups gnomAD compares: Middle Eastern, 0.016%; no homozygotes.

Submissions (19):

PreventionGenetics, part of Exact Sciences
Classification: Likely benign for SMAD4-related condition. Last evaluated: 2026-08-25. Review status: criteria provided, single submitter. Criteria: ACMG Guidelines, 2015. Collection method: clinical testing. Allele origin: germline.
Comment: This variant is classified as likely benign based on ACMG/AMP sequence variant interpretation guidelines (Richards et al. 2015 PMID: 25741868, with internal and published modifications).

Labcorp Genetics (formerly Invitae), Labcorp
Classification: Likely benign for Juvenile polyposis syndrome. Last evaluated: 2025-12-24. Review status: criteria provided, single submitter. Criteria: Invitae Variant Classification Sherloc (09022015). Collection method: clinical testing. Allele origin: germline.

CeGaT Center for Human Genetics Tuebingen
Classification: Likely benign. Last evaluated: 2025-10-01. Review status: criteria provided, single submitter. Criteria: CeGaT Center For Human Genetics Tuebingen Variant Classification Criteria Version 2. Collection method: clinical testing. Allele origin: germline. Affected: yes. Observed: 1 variant allele.
Comment: SMAD4: BP4, BP7

Myriad Genetics, Inc.
Classification: Benign for Juvenile polyposis/hereditary hemorrhagic telangiectasia syndrome. Last evaluated: 2025-03-18. Review status: criteria provided, single submitter. Criteria: Myriad Autosomal Dominant, Autosomal Recessive and X-Linked Classification Criteria (2023). Collection method: clinical testing. Allele origin: unknown.
Comment: This variant is considered benign. This variant is a silent/synonymous amino acid change and it is not expected to impact splicing.

Center for Genomic Medicine, Rigshospitalet, Copenhagen University Hospital
Classification: Likely benign. Last evaluated: 2025-03-04. Review status: criteria provided, single submitter. Criteria: ACMG Guidelines, 2015. Collection method: clinical testing. Allele origin: germline.

KCCC/NGS Laboratory, Kuwait Cancer Control Center
Classification: Benign for Myhre syndrome. Last evaluated: 2025-02-01. Review status: criteria provided, single submitter. Criteria: ACMG Guidelines, 2015. Collection method: clinical testing. Allele origin: germline. Affected: no.

Blueprint Genetics
Classification: Likely benign. Last evaluated: 2024-11-22. Review status: criteria provided, single submitter. Criteria: ACMG Guidelines, 2015. Collection method: clinical testing. Allele origin: germline.

All of Us Research Program, National Institutes of Health
Classification: Likely benign for Juvenile polyposis/hereditary hemorrhagic telangiectasia syndrome. Last evaluated: 2024-02-05. Review status: criteria provided, single submitter. Criteria: ACMG Guidelines, 2015. Collection method: clinical testing. Allele origin: germline. Inheritance: Autosomal dominant inheritance. Observed: 13 variant alleles, 13 heterozygotes.
Comment: This study involves interpretation of variants in research participants for the purpose of population health screening. Participant phenotype was not available at the time of variant classification. Additional details can be found in publication PMID: 35346344, PMCID: PMC8962531

KCCC/NGS Laboratory, Kuwait Cancer Control Center
Classification: Likely benign for Juvenile polyposis syndrome. Last evaluated: 2023-07-07. Review status: criteria provided, single submitter. Criteria: ACMG Guidelines, 2015. Collection method: clinical testing. Allele origin: germline. Affected: yes.

Women's Health and Genetics/Laboratory Corporation of America, LabCorp
Classification: Likely benign. Last evaluated: 2022-05-13. Review status: criteria provided, single submitter. Criteria: LabCorp Variant Classification Summary - May 2015. Collection method: clinical testing. Allele origin: germline.

Sema4
Classification: Likely benign for Hereditary cancer-predisposing syndrome. Last evaluated: 2021-10-18. Review status: criteria provided, single submitter. Criteria: Sema4 Curation Guidelines. Collection method: curation. Allele origin: germline.

Quest Diagnostics Nichols Institute San Juan Capistrano
Classification: Benign. Last evaluated: 2018-08-10. Review status: criteria provided, single submitter. Criteria: Quest Diagnostics criteria. Collection method: clinical testing. Allele origin: germline.

Color Diagnostics, LLC DBA Color Health
Classification: Likely benign for Hereditary cancer-predisposing syndrome. Last evaluated: 2016-03-21. Review status: criteria provided, single submitter. Criteria: ACMG Guidelines, 2015. Collection method: clinical testing. Allele origin: germline.

GeneDx
Classification: Benign. Last evaluated: 2015-06-29. Review status: criteria provided, single submitter. Criteria: GeneDx Variant Classification (06012015). Collection method: clinical testing. Allele origin: germline. Affected: yes.
Comment: This variant is considered likely benign or benign based on one or more of the following criteria: it is a conservative change, it occurs at a poorly conserved position in the protein, it is predicted to be benign by multiple in silico algorithms, and/or has population frequency not consistent with disease.

Ambry Genetics
Classification: Likely benign for Hereditary cancer-predisposing syndrome; Familial thoracic aortic aneurysm and aortic dissection. Last evaluated: 2014-09-26. Review status: criteria provided, single submitter. Criteria: Ambry Variant Classification Scheme 2023. Collection method: clinical testing. Allele origin: germline.

Genetic Services Laboratory, University of Chicago
Classification: Likely benign. Last evaluated: 2022-08-23. Review status: no assertion criteria provided. Collection method: clinical testing. Allele origin: germline. Affected: no. Not counted in ClinVar's aggregate classification.

Clinical Genetics, Academic Medical Center
Classification: Likely benign. Review status: no assertion criteria provided. Collection method: clinical testing. Allele origin: germline. Affected: yes. Study: VKGL Data-share Consensus. Not counted in ClinVar's aggregate classification.

Genome Diagnostics Laboratory, Amsterdam University Medical Center
Classification: Likely benign. Review status: no assertion criteria provided. Collection method: clinical testing. Allele origin: germline. Affected: yes. Study: VKGL Data-share Consensus. Not counted in ClinVar's aggregate classification.

Genome Diagnostics Laboratory, University Medical Center Utrecht
Classification: Likely benign. Review status: no assertion criteria provided. Collection method: clinical testing. Allele origin: germline. Affected: yes. Study: VKGL Data-share Consensus. Not counted in ClinVar's aggregate classification.

NM_005359.6(SMAD4):c.228A>G (p.Arg76=)

Gene: SMAD4 (SMAD family member 4; plus strand). Cytogenetic location: 18q21.2.
Variant type: single nucleotide variant.
Coding change: c.228A>G on transcript NM_005359.6 (MANE Select); coding-DNA position 228, A replaced by G.
Protein change: p.Arg76=; no amino-acid change (arginine 76 retained).
Molecular consequence: synonymous variant.
Genome position (GRCh38, 1-based): chr18:51,047,274, A>G. VCF-style: chr18-51047274-A-G. GRCh37 (hg19) VCF-style: chr18-48573644-A-G.
Identifiers: ClinVar variation 132767 (VCV000132767.49), dbSNP rs587780556, ClinGen allele CA194489.
Genomic context (GRCh38, chr18:51,047,274, plus strand): 5'-TTTAATAACAGCTATAACTACAAATGGAGCTCATCCTAGTAAATGTGTTACCATACAGAG[A>G]ACATTGGATGGGAGGCTTCAGGTTAGTCTTATAAGAGTTTTTCTATACCCTCTATGGTGG-3'
Protein context (NP_005350.1, residues 66-86): AHPSKCVTIQ[Arg76=]TLDGRLQVAG